The following is an entry in ClinVar:

ClinVar aggregate classification (germline): Uncertain significance. Review status: criteria provided, single submitter (1 of 4 stars). 2 submissions from 2 submitters: Uncertain significance (1). 1 of the submissions does not count toward it. Last evaluated 2017-03-27.

Conditions:
Nemaline myopathy 2 (NEM2). Also called: Nemaline myopathy 2, autosomal recessive. Identifiers: MedGen C1850569, MONDO:0009725, OMIM 256030.

Allele frequency attached by ClinVar (database versions not stated): gnomAD exomes below 0.00001 and 0.00001; ExAC 0.00001; gnomAD 0.00001; TOPMed 0.00001.
gnomAD v4.1: 8 of 1,612,458 alleles (0.0005%); highest among the groups gnomAD compares: Non-Finnish European, 0.00068%; no homozygotes.

Submissions (2):

GeneDx
Classification: Uncertain significance. Last evaluated: 2017-03-27. Review status: criteria provided, single submitter. Criteria: GeneDx Variant Classification (06012015). Collection method: clinical testing. Allele origin: germline. Affected: yes.
Comment: The S7458N variant has not been published as a pathogenic variant, nor has it been reported as a benign variant to our knowledge. The S7458N variant is not observed at a significant frequency in large population cohorts (Lek et al., 2016; 1000 Genomes Consortium et al., 2015; Exome Variant Server). This variant is a conservative amino acid substitution, which is not likely to impact secondary protein structure as these residues share similar properties. However, this substitution occurs at a position that is conserved across species, and in silico analysis is inconsistent in its predictions as to whether or not the variant is damaging to the protein structure/function.

Natera, Inc.
Classification: Uncertain significance for Nemaline myopathy type 2. Last evaluated: 2020-09-16. Review status: no assertion criteria provided. Collection method: clinical testing. Allele origin: germline. Not counted in ClinVar's aggregate classification.

NM_001164508.2(NEB):c.22268G>A (p.Ser7423Asn)

Genes: NEB (nebulin; minus strand), RIF1 (replication timing regulatory factor 1; plus strand). Cytogenetic location: 2q23.3.
Variant type: single nucleotide variant.
Coding change: c.22268G>A on transcript NM_001164508.2 (MANE Select); coding-DNA position 22268, G replaced by A.
Protein change: p.Ser7423Asn; replaces serine 7423 with asparagine.
Molecular consequence: missense variant.
Genome position (GRCh38, 1-based): chr2:151,525,167, C>T on the plus strand (G>A on the coding strand, the complement: NEB is on the minus strand). VCF-style: chr2-151525167-C-T. GRCh37 (hg19) VCF-style: chr2-152381681-C-T.
Other names: c.22268G>A, p.Ser7423Asn (NM_001164507.2); c.22373G>A, p.Ser7458Asn (NM_001271208.2); c.17165G>A, p.Ser5722Asn (NM_004543.5); short protein forms S7458N, S7423N, S5722N.
Identifiers: ClinVar variation 424469 (VCV000424469.3), dbSNP rs759974940, ClinGen allele CA1906729.